The following is an entry in ClinVar:

ClinVar aggregate classification (germline): Uncertain significance. Review status: criteria provided, multiple submitters, no conflicts (2 of 4 stars). 2 submissions from 2 submitters: Uncertain significance (2). Last evaluated 2022-05-03.

Conditions:
Renal hypomagnesemia 6. Identifiers: Orphanet 34527, MedGen C3151295, MONDO:0013480, OMIM 613882.

gnomAD v4.1: 6 of 1,613,758 alleles (0.00037%); highest among the groups gnomAD compares: Non-Finnish European, 0.00042%; no homozygotes.

Submissions (2):

Labcorp Genetics (formerly Invitae), Labcorp
Classification: Uncertain significance. Last evaluated: 2022-05-03. Review status: criteria provided, single submitter. Criteria: Invitae Variant Classification Sherloc (09022015). Collection method: clinical testing. Allele origin: germline.
Comment: In summary, the available evidence is currently insufficient to determine the role of this variant in disease. Therefore, it has been classified as a Variant of Uncertain Significance. Algorithms developed to predict the effect of missense changes on protein structure and function are either unavailable or do not agree on the potential impact of this missense change (SIFT: "Tolerated"; PolyPhen-2: "Possibly Damaging"; Align-GVGD: "Class C0"). ClinVar contains an entry for this variant (Variation ID: 877908). This variant has not been reported in the literature in individuals affected with CNNM2-related conditions. This variant is not present in population databases (gnomAD no frequency). This sequence change replaces glutamine, which is neutral and polar, with histidine, which is basic and polar, at codon 810 of the CNNM2 protein (p.Gln810His).

Illumina Laboratory Services, Illumina
Classification: Uncertain significance for Renal hypomagnesemia 6. Last evaluated: 2018-01-12. Review status: criteria provided, single submitter. Criteria: ICSL Variant Classification Criteria 13 December 2019. Collection method: clinical testing. Allele origin: germline.

NM_017649.5(CNNM2):c.2430G>T (p.Gln810His)

Gene: CNNM2 (cyclin and CBS domain divalent metal cation transport mediator 2; plus strand). Cytogenetic location: 10q24.32.
Variant type: single nucleotide variant.
Coding change: c.2430G>T on transcript NM_017649.5 (MANE Select); coding-DNA position 2430, G replaced by T.
Protein change: p.Gln810His; replaces glutamine 810 with histidine.
Molecular consequence: missense variant.
Genome position (GRCh38, 1-based): chr10:103,076,982, G>T. VCF-style: chr10-103076982-G-T. GRCh37 (hg19) VCF-style: chr10-104836739-G-T.
Other names: c.2364G>T, p.Gln788His (NM_199076.3); short protein forms Q788H, Q810H.
Identifiers: ClinVar variation 877908 (VCV000877908.8), dbSNP rs2065703394, ClinGen allele CA377964485.
Genomic context (GRCh38, chr10:103,076,982, plus strand): 5'-AAAATAAGCATTATCTTGGTTTGTTTTCTGTGCCATCTTCTGGCCCCAGATCTCAAGACA[G>T]CAATACCAAAATGCCTTGATGGCATCCCGGATGGACAAAACCCCCCAGTCTTCAGACAGT-3'
Protein context (NP_060119.3, residues 800-820): SDLQFVKISR[Gln810His]QYQNALMASR